The following is an entry in ClinVar:

ClinVar aggregate classification (germline): Uncertain significance. Review status: criteria provided, multiple submitters, no conflicts (2 of 4 stars). 3 submissions from 3 submitters: Uncertain significance (2). 1 of the submissions does not count toward it. Last evaluated 2023-11-14.

Conditions:
Cystic fibrosis (CF). Also called: MUCOVISCIDOSIS. Identifiers: Orphanet 586, MedGen C0010674, MONDO:0009061, OMIM 219700. Disease mechanism: loss of function.

Allele frequency attached by ClinVar (database versions not stated): gnomAD exomes 0.00002 and 0.00001; TOPMed below 0.00001; gnomAD 0.00002; ExAC 0.00002.
gnomAD v4.1: 10 of 1,603,210 alleles (0.00062%); highest among the groups gnomAD compares: Non-Finnish European, 0.00026%; no homozygotes.

Submissions (3):

Ambry Genetics
Classification: Uncertain significance for Cystic fibrosis. Last evaluated: 2023-11-14. Review status: criteria provided, single submitter. Criteria: Ambry Variant Classification Scheme 2023. Collection method: clinical testing. Allele origin: germline.
Comment: The p.R21I variant (also known as c.62G>T), located in coding exon 2 of the CFTR gene, results from a G to T substitution at nucleotide position 62. The arginine at codon 21 is replaced by isoleucine, an amino acid with similar properties. This amino acid position is not well conserved in available vertebrate species. In addition, this alteration is predicted to be tolerated by in silico analysis. Since supporting evidence is limited at this time, the clinical significance of this alteration remains unclear.

Labcorp Genetics (formerly Invitae), Labcorp
Classification: Uncertain significance for Cystic fibrosis. Last evaluated: 2021-08-27. Review status: criteria provided, single submitter. Criteria: Invitae Variant Classification Sherloc (09022015). Collection method: clinical testing. Allele origin: germline.
Comment: This sequence change replaces arginine with isoleucine at codon 21 of the CFTR protein (p.Arg21Ile). The arginine residue is weakly conserved and there is a moderate physicochemical difference between arginine and isoleucine. This variant is present in population databases (rs777520137, ExAC 0.03%). This variant has not been reported in the literature in individuals affected with CFTR-related conditions. Algorithms developed to predict the effect of missense changes on protein structure and function (SIFT, PolyPhen-2, Align-GVGD) all suggest that this variant is likely to be tolerated. In summary, the available evidence is currently insufficient to determine the role of this variant in disease. Therefore, it has been classified as a Variant of Uncertain Significance.

Natera, Inc.
Classification: Uncertain significance for Cystic Fibrosis. Last evaluated: 2020-03-10. Review status: no assertion criteria provided. Collection method: clinical testing. Allele origin: germline. Not counted in ClinVar's aggregate classification.

NM_000492.4(CFTR):c.62G>T (p.Arg21Ile)

Gene: CFTR (CF transmembrane conductance regulator; plus strand). Cytogenetic location: 7q31.2.
Variant type: single nucleotide variant.
Coding change: c.62G>T on transcript NM_000492.4 (MANE Select); coding-DNA position 62, G replaced by T.
Protein change: p.Arg21Ile; replaces arginine 21 with isoleucine.
Molecular consequence: missense variant.
Genome position (GRCh38, 1-based): chr7:117,504,261, G>T. VCF-style: chr7-117504261-G-T. GRCh37 (hg19) VCF-style: chr7-117144315-G-T.
Other names: short protein forms R21I.
Identifiers: ClinVar variation 842288 (VCV000842288.8), dbSNP rs777520137, ClinGen allele CA4450629.